The following is an entry in ClinVar:

ClinVar aggregate classification (germline): Pathogenic (1 of 4 stars; one submission).

Conditions:
Aniridia 1 (AN1). Identifiers: Orphanet 250923, MedGen C0344542, MONDO:0024507, OMIM 106210.
Irido-corneo-trabecular dysgenesis (ASGD5). Also called: ANTERIOR SEGMENT DYSGENESIS 5. Identifiers: Orphanet 708, MedGen C0344559, MONDO:0011414, OMIM 604229, HP:0000659.

Submission:

Labcorp Genetics (formerly Invitae), Labcorp
Classification: Pathogenic for Aniridia 1; Irido-corneo-trabecular dysgenesis. Last evaluated: 2022-04-01. Review status: criteria provided, single submitter. Criteria: Invitae Variant Classification Sherloc (09022015). Collection method: clinical testing. Allele origin: germline.
Comment: This premature translational stop signal has been observed in individual(s) with aniridia (PMID: 24078574). This variant is not present in population databases (gnomAD no frequency). This sequence change creates a premature translational stop signal (p.Thr320Serfs*20) in the PAX6 gene. It is expected to result in an absent or disrupted protein product. Loss-of-function variants in PAX6 are known to be pathogenic (PMID: 12634864). This variant is also known as c.957-958delCA. For these reasons, this variant has been classified as Pathogenic.

Literature cited by the submitters: PubMed 24078574; PubMed 12634864.

NM_001368894.2(PAX6):c.1001_1002del (p.Thr334fs)

Gene: PAX6 (paired box 6; minus strand). Cytogenetic location: 11p13.
Variant type: Microsatellite.
Coding change: c.1001_1002del on transcript NM_001368894.2 (MANE Select); coding-DNA positions 1001 to 1002, 2 bases deleted (CA; older notation c.1001_1002delCA).
Protein change: p.Thr334fs; shifts the reading frame from threonine 334.
Molecular consequence: frameshift variant. On other transcripts: non-coding transcript variant (2).
Genome position (GRCh38, 1-based): chr11:31,793,510-31,793,511, TG deleted on the plus strand (CA on the coding strand, the reverse complement: PAX6 is on the minus strand); deleting any 2 consecutive bases within chr11:31,793,510-31,793,514 gives the same sequence; the c. name uses the placement nearest the transcript's 3' end. VCF-style (leftmost placement, unchanged base first): chr11-31793509-CTG-C. GRCh37 (hg19) VCF-style: chr11-31815057-CTG-C.
Other names: c.959_960del, p.Thr320fs (NM_000280.6, NM_001127612.3, NM_001258464.2 and 10 more transcripts); c.1001_1002del, p.Thr334fs (NM_001258462.3, NM_001258463.2, NM_001310158.2 and 6 more transcripts); c.551_552del, p.Thr184fs (NM_001310160.2, NM_001310161.3, NM_001368899.2 and 11 more transcripts); c.1202_1203del, p.Thr401fs (NM_001368910.2); c.1004_1005del, p.Thr335fs (NM_001368911.2); c.1076_1077del, p.Thr359fs (NM_001368918.2, NM_001368919.2); c.1034_1035del, p.Thr345fs (NM_001368920.2); c.800_801del, p.Thr267fs (NM_001368921.2, NM_001368922.2, NM_001368923.2 and 4 more transcripts); and 2 more; short protein forms T253fs, T335fs, T359fs, T401fs, T267fs, T320fs, T345fs, T184fs.
Identifiers: ClinVar variation 2137034 (VCV002137034.4), dbSNP rs2495066264, ClinGen allele CA2580615651.